The following is an entry in ClinVar:

ClinVar aggregate classification (germline): Uncertain significance. Review status: criteria provided, multiple submitters, no conflicts (2 of 4 stars). 2 submissions from 2 submitters: Uncertain significance (2). Last evaluated 2023-11-27.

Conditions:
Idiopathic generalized epilepsy. Also called: Generalised epilepsy; EIG. Identifiers: MedGen C0270850, MONDO:0005579, OMIM 600669.
Hyperaldosteronism, familial, type IV (HALD4). Also called: FH IV; ALDOSTERONISM, PRIMARY, AND HYPERTENSION. Identifiers: Orphanet 642671, MedGen C4310756, MONDO:0014875, OMIM 617027.

Allele frequency attached by ClinVar (database versions not stated): gnomAD 0.00001; gnomAD exomes 0.00006.
gnomAD v4.1: 34 of 1,585,794 alleles (0.0021%); highest among the groups gnomAD compares: East Asian, 0.078%; no homozygotes.

Submissions (2):

Labcorp Genetics (formerly Invitae), Labcorp
Classification: Uncertain significance for Idiopathic generalized epilepsy; Hyperaldosteronism, familial, type IV. Last evaluated: 2023-11-27. Review status: criteria provided, single submitter. Criteria: Invitae Variant Classification Sherloc (09022015). Collection method: clinical testing. Allele origin: germline.
Comment: This sequence change replaces serine, which is neutral and polar, with asparagine, which is neutral and polar, at codon 455 of the CACNA1H protein (p.Ser455Asn). This variant is not present in population databases (gnomAD no frequency). This variant has not been reported in the literature in individuals affected with CACNA1H-related conditions. ClinVar contains an entry for this variant (Variation ID: 1004315). Advanced modeling of protein sequence and biophysical properties (such as structural, functional, and spatial information, amino acid conservation, physicochemical variation, residue mobility, and thermodynamic stability) has been performed at Invitae for this missense variant, however the output from this modeling did not meet the statistical confidence thresholds required to predict the impact of this variant on CACNA1H protein function. In summary, the available evidence is currently insufficient to determine the role of this variant in disease. Therefore, it has been classified as a Variant of Uncertain Significance.

GeneDx
Classification: Uncertain significance. Last evaluated: 2022-12-04. Review status: criteria provided, single submitter. Criteria: GeneDx Variant Classification Process June 2021. Collection method: clinical testing. Allele origin: germline. Affected: yes.
Comment: Not observed at significant frequency in large population cohorts (gnomAD); In silico analysis supports that this missense variant does not alter protein structure/function; Has not been previously published as pathogenic or benign to our knowledge

NM_021098.3(CACNA1H):c.1364G>A (p.Ser455Asn)

Gene: CACNA1H (calcium voltage-gated channel subunit alpha1 H; plus strand). Cytogenetic location: 16p13.3.
Variant type: single nucleotide variant.
Coding change: c.1364G>A on transcript NM_021098.3 (MANE Select); coding-DNA position 1364, G replaced by A.
Protein change: p.Ser455Asn; replaces serine 455 with asparagine.
Molecular consequence: missense variant.
Genome position (GRCh38, 1-based): chr16:1,201,814, G>A. VCF-style: chr16-1201814-G-A. GRCh37 (hg19) VCF-style: chr16-1251814-G-A.
Other names: c.1364G>A, p.Ser455Asn (NM_001005407.2); c.1364G>A (NM_021098.2); short protein forms S455N.
Identifiers: ClinVar variation 1004315 (VCV001004315.9), dbSNP rs1041969243, ClinGen allele CA276650740.